The following is an entry in ClinVar:

ClinVar aggregate classification (germline): Benign. Review status: criteria provided, multiple submitters, no conflicts (2 of 4 stars). 2 submissions from 2 submitters: Benign (2). Last evaluated 2024-09-01.

Allele frequency attached by ClinVar (database versions not stated): 1000 Genomes Project 30x 0.00281; ESP Exome Variant Server 0.00292; 1000 Genomes Project 0.00300; gnomAD exomes 0.00384 and 0.00477; ExAC 0.00411; TOPMed 0.00414; gnomAD 0.00458 and 0.00461.
gnomAD v4.1: 6,272 of 1,614,108 alleles (0.39%); highest among the groups gnomAD compares: Admixed American, 1.2%; 28 homozygotes.

Submissions (2):

CeGaT Center for Human Genetics Tuebingen
Classification: Benign. Last evaluated: 2024-09-01. Review status: criteria provided, single submitter. Criteria: CeGaT Center For Human Genetics Tuebingen Variant Classification Criteria Version 2. Collection method: clinical testing. Allele origin: germline. Affected: yes. Observed: 1 variant allele.
Comment: PGBD1: BS1, BS2

Labcorp Genetics (formerly Invitae), Labcorp
Classification: Benign. Last evaluated: 2017-12-13. Review status: criteria provided, single submitter. Criteria: Invitae Variant Classification Sherloc (09022015). Collection method: clinical testing. Allele origin: germline.

NM_032507.4(PGBD1):c.1036G>A (p.Asp346Asn)

Gene: PGBD1 (piggyBac transposable element derived 1; plus strand). Cytogenetic location: 6p22.1.
Variant type: single nucleotide variant.
Coding change: c.1036G>A on transcript NM_032507.4 (MANE Select); coding-DNA position 1036, G replaced by A.
Protein change: p.Asp346Asn; replaces aspartic acid 346 with asparagine.
Molecular consequence: missense variant. On other transcripts: non-coding transcript variant (6).
Genome position (GRCh38, 1-based): chr6:28,300,890, G>A. VCF-style: chr6-28300890-G-A. GRCh37 (hg19) VCF-style: chr6-28268667-G-A.
Other names: c.1036G>A, p.Asp346Asn (NM_001184743.2, NM_001386059.1); short protein forms D346N.
Identifiers: ClinVar variation 773194 (VCV000773194.17), dbSNP rs148252586, ClinGen allele CA3683469.